The following is an entry in ClinVar:

NM_001987.5(ETV6):c.35A>G (p.Gln12Arg)

Gene: ETV6 (ETS variant transcription factor 6; plus strand). Cytogenetic location: 12p13.2.
Variant type: single nucleotide variant.
Coding change: c.35A>G on transcript NM_001987.5 (MANE Select); coding-DNA position 35, A replaced by G.
Protein change: p.Gln12Arg; replaces glutamine 12 with arginine.
Molecular consequence: missense variant. On other transcripts: splice acceptor variant (1), intron variant (1).
Genome position (GRCh38, 1-based): chr12:11,752,451, A>G. VCF-style: chr12-11752451-A-G. GRCh37 (hg19) VCF-style: chr12-11905385-A-G.
Other names: c.8A>G, p.Gln3Arg (NM_001413914.1); c.35A>G, p.Gln12Arg (NM_001413916.1, NM_001413917.1, NM_001413918.1); c.34-2A>G (NM_001413913.1); c.-101-86689A>G (NM_001413915.1); short protein forms Q3R, Q12R.
Identifiers: ClinVar variation 5036206 (VCV005036206.1).

ClinVar aggregate classification (germline): Uncertain significance (1 of 4 stars; one submission).

Conditions:
Inborn genetic diseases. Identifiers: MedGen C0950123, MeSH D030342.

Submission:

Ambry Genetics
Classification: Uncertain significance for Inborn genetic diseases. Last evaluated: 2026-07-20. Review status: criteria provided, single submitter. Criteria: Ambry Variant Classification Scheme 2023. Collection method: clinical testing. Allele origin: germline.
Comment: The p.Q12R variant (also known as c.35A>G), located in coding exon 2 of the ETV6 gene, results from an A to G substitution at nucleotide position 35. The glutamine at codon 12 is replaced by arginine, an amino acid with highly similar properties. This amino acid position is conserved. In addition, this alteration is predicted to be tolerated by in silico analysis. Based on the available evidence, the clinical significance of this variant remains unclear.